The following is an entry in ClinVar:

NM_005996.4(TBX3):c.1381C>T (p.Pro461Ser)

Gene: TBX3 (T-box transcription factor 3; minus strand). Cytogenetic location: 12q24.21.
Variant type: single nucleotide variant.
Coding change: c.1381C>T on transcript NM_005996.4 (MANE Select); coding-DNA position 1381, C replaced by T.
Protein change: p.Pro461Ser; replaces proline 461 with serine.
Molecular consequence: missense variant.
Genome position (GRCh38, 1-based): chr12:114,674,494, G>A on the plus strand (C>T on the coding strand, the complement: TBX3 is on the minus strand). VCF-style: chr12-114674494-G-A. GRCh37 (hg19) VCF-style: chr12-115112299-G-A.
Other names: c.1441C>T (NM_016569.3); c.1441C>T, p.Pro481Ser (NM_016569.4); c.1381C>T (NM_005996.3); short protein forms P461S, P481S.
Identifiers: ClinVar variation 1574228 (VCV001574228.11), dbSNP rs537957080, ClinGen allele CA6809922.

ClinVar aggregate classification (germline): Conflicting classifications of pathogenicity. Review status: criteria provided, conflicting classifications (1 of 4 stars). 3 submissions from 3 submitters: Uncertain significance (1); Likely benign (1). 1 of the submissions does not count toward it. Last evaluated 2026-01-27.

Conditions:
Inborn genetic diseases. Identifiers: MedGen C0950123, MeSH D030342.
TBX3-related disorder. Also called: TBX3-related condition.
Ulnar-mammary syndrome (UMS). Also called: PALLISTER ULNAR-MAMMARY SYNDROME; SCHINZEL SYNDROME; Ulnar-mammary syndrome of Pallister. Identifiers: Orphanet 3138, MedGen C1866994, MONDO:0008411, OMIM 181450.

Allele frequency attached by ClinVar (database versions not stated): gnomAD exomes 0.00004 and 0.00011; ExAC 0.00015; 1000 Genomes Project 30x 0.00031; gnomAD 0.00037 and 0.00040; 1000 Genomes Project 0.00040; TOPMed 0.00041.
gnomAD v4.1: 102 of 1,519,546 alleles (0.0067%); highest among the groups gnomAD compares: African/African-American, 0.13%; no homozygotes.

Submissions (3):

Labcorp Genetics (formerly Invitae), Labcorp
Classification: Likely benign for Ulnar-mammary syndrome. Last evaluated: 2026-01-27. Review status: criteria provided, single submitter. Criteria: Invitae Variant Classification Sherloc (09022015). Collection method: clinical testing. Allele origin: germline.

Ambry Genetics
Classification: Uncertain significance for Inborn genetic diseases. Last evaluated: 2025-03-06. Review status: criteria provided, single submitter. Criteria: Ambry Variant Classification Scheme 2023. Collection method: clinical testing. Allele origin: germline.

PreventionGenetics, part of Exact Sciences
Classification: Likely benign for TBX3-related condition. Last evaluated: 2023-05-10. Review status: no assertion criteria provided. Collection method: clinical testing. Allele origin: germline. Not counted in ClinVar's aggregate classification.
Comment: This variant is classified as likely benign based on ACMG/AMP sequence variant interpretation guidelines (Richards et al. 2015 PMID: 25741868, with internal and published modifications).